The following is an entry in ClinVar:

NM_001025603.2(RFX5):c.*244A>G

Gene: RFX5 (regulatory factor X5; minus strand). Cytogenetic location: 1q21.3.
Variant type: single nucleotide variant.
Coding change: c.*244A>G on transcript NM_001025603.2 (MANE Select); 244 bases downstream of the stop codon, A replaced by G.
Molecular consequence: 3 prime UTR variant.
Genome position (GRCh38, 1-based): chr1:151,341,942, T>C on the plus strand (A>G on the coding strand, the complement: RFX5 is on the minus strand). VCF-style: chr1-151341942-T-C. GRCh37 (hg19) VCF-style: chr1-151314418-T-C.
Other names: c.*244A>G (NM_000449.4, NM_001379412.1, NM_001379413.1 and 7 more transcripts).
Identifiers: ClinVar variation 292606 (VCV000292606.6), dbSNP rs2233857, ClinGen allele CA10607683.

ClinVar aggregate classification (germline): Benign. Review status: criteria provided, multiple submitters, no conflicts (2 of 4 stars). 2 submissions from 2 submitters: Benign (2). Last evaluated 2018-01-13.

Conditions:
MHC class II deficiency. Also called: Bare lymphocyte syndrome 2; BLS, TYPE II. Identifiers: Orphanet 572, MedGen C5447452, MONDO:0008855.

Allele frequency attached by ClinVar (database versions not stated): TOPMed 0.03035; 1000 Genomes Project 30x 0.01124; 1000 Genomes Project 0.01158; gnomAD 0.03351; gnomAD exomes 0.03453.
gnomAD v4.1: 23,270 of 696,516 alleles (3.3%); highest among the groups gnomAD compares: Non-Finnish European, 4.8%; 537 homozygotes.

Submissions (2):

Illumina Laboratory Services, Illumina
Classification: Benign for MHC class II deficiency 1. Last evaluated: 2018-01-13. Review status: criteria provided, single submitter. Criteria: ICSL Variant Classification Criteria 13 December 2019. Collection method: clinical testing. Allele origin: germline.
Comment: This variant was observed in the ICSL laboratory as part of a predisposition screen in an ostensibly healthy population. It had not been previously curated by ICSL or reported in the Human Gene Mutation Database (HGMD: prior to June 1st, 2018), and was therefore a candidate for classification through an automated scoring system. Utilizing variant allele frequency, disease prevalence and penetrance estimates, and inheritance mode, an automated score was calculated to assess if this variant is too frequent to cause the disease. Based on the score and internal cut-off values, a variant classified as benign is not then subjected to further curation. The score for this variant resulted in a classification of benign for this disease.

Breakthrough Genomics
Classification: Benign. Review status: criteria provided, single submitter. Criteria: ACMG Guidelines, 2015. Collection method: not provided. Allele origin: germline. Inheritance: Autosomal recessive inheritance. Affected: yes.